The following is an entry in ClinVar:

ClinVar aggregate classification (germline): Conflicting classifications of pathogenicity. Review status: criteria provided, conflicting classifications (1 of 4 stars). 3 submissions from 3 submitters: Uncertain significance (2); Likely benign (1). Last evaluated 2024-01-01.

Conditions:
Intellectual developmental disorder, autosomal dominant 1. Also called: Intellectual disability, autosomal dominant 1; MBD5 Haploinsufficiency. Identifiers: Orphanet 228402, MedGen C1969562, MONDO:0007974, OMIM 156200.

Allele frequency attached by ClinVar (database versions not stated): gnomAD exomes below 0.00001; TOPMed below 0.00001.

Submissions (3):

CeGaT Center for Human Genetics Tuebingen
Classification: Uncertain significance. Last evaluated: 2024-01-01. Review status: criteria provided, single submitter. Criteria: CeGaT Center For Human Genetics Tuebingen Variant Classification Criteria Version 2. Collection method: clinical testing. Allele origin: germline. Affected: yes. Observed: 2 variant alleles.
Comment: MBD5: PM2, BP4

Labcorp Genetics (formerly Invitae), Labcorp
Classification: Likely benign for Intellectual developmental disorder, autosomal dominant 1. Last evaluated: 2022-02-02. Review status: criteria provided, single submitter. Criteria: Invitae Variant Classification Sherloc (09022015). Collection method: clinical testing. Allele origin: germline.

GeneDx
Classification: Uncertain significance. Last evaluated: 2020-10-21. Review status: criteria provided, single submitter. Criteria: GeneDx Variant Classification Process June 2021. Collection method: clinical testing. Allele origin: germline. Affected: yes.
Comment: Not observed at a significant frequency in large population cohorts (Lek et al., 2016); In silico analysis supports that this missense variant does not alter protein structure/function; Has not been previously published as pathogenic or benign to our knowledge

NM_001378120.1(MBD5):c.4516A>G (p.Met1506Val)

Gene: MBD5 (methyl-CpG binding domain protein 5; plus strand). Cytogenetic location: 2q23.1.
Variant type: single nucleotide variant.
Coding change: c.4516A>G on transcript NM_001378120.1 (MANE Select); coding-DNA position 4516, A replaced by G.
Protein change: p.Met1506Val; replaces methionine 1506 with valine.
Molecular consequence: missense variant.
Genome position (GRCh38, 1-based): chr2:148,490,148, A>G. VCF-style: chr2-148490148-A-G. GRCh37 (hg19) VCF-style: chr2-149247717-A-G.
Other names: c.3817A>G, p.Met1273Val (NM_018328.5); short protein forms M1273V, M1506V.
Identifiers: ClinVar variation 808814 (VCV000808814.49), dbSNP rs898923113, ClinGen allele CA57597115.